The following is an entry in ClinVar:

NM_000642.3(AGL):c.1822T>C (p.Cys608Arg)

Gene: AGL (amylo-alpha-1,6-glucosidase and 4-alpha-glucanotransferase; plus strand). Cytogenetic location: 1p21.2.
Variant type: single nucleotide variant.
Coding change: c.1822T>C on transcript NM_000642.3 (MANE Select); coding-DNA position 1822, T replaced by C.
Protein change: p.Cys608Arg; replaces cysteine 608 with arginine.
Molecular consequence: missense variant.
Genome position (GRCh38, 1-based): chr1:99,880,718, T>C. VCF-style: chr1-99880718-T-C. GRCh37 (hg19) VCF-style: chr1-100346274-T-C.
Other names: c.1822T>C, p.Cys608Arg (NM_000028.3, NM_000643.3, NM_000644.3 and 2 more transcripts); c.1774T>C, p.Cys592Arg (NM_000646.3); c.1621T>C, p.Cys541Arg (NM_001425327.1); c.1618T>C, p.Cys540Arg (NM_001425328.1, NM_001425329.1); c.1444T>C, p.Cys482Arg (NM_001425332.1); c.1822T>C (NM_000642.2); short protein forms C608R, C592R, C482R, C540R, C541R.
Identifiers: ClinVar variation 2076543 (VCV002076543.3), dbSNP rs1032852905, ClinGen allele CA27515390.

ClinVar aggregate classification (germline): Uncertain significance. Review status: criteria provided, multiple submitters, no conflicts (2 of 4 stars). 2 submissions from 2 submitters: Uncertain significance (2). Last evaluated 2024-10-03.

Conditions:
Glycogen storage disease type III (GSD3). Also called: Cori disease; FORBES DISEASE. Identifiers: Orphanet 366, MedGen C0017922, MONDO:0009291, OMIM 232400.

Allele frequency attached by ClinVar (database versions not stated): gnomAD exomes below 0.00001.
gnomAD v4.1: 5 of 1,613,960 alleles (0.00031%); highest among the groups gnomAD compares: Non-Finnish European, 0.00042%; no homozygotes.

Submissions (2):

GeneDx
Classification: Uncertain significance. Last evaluated: 2024-10-03. Review status: criteria provided, single submitter. Criteria: GeneDx Variant Classification Process June 2021. Collection method: clinical testing. Allele origin: germline. Affected: yes.
Comment: Not observed at significant frequency in large population cohorts (gnomAD); In silico analysis indicates that this missense variant does not alter protein structure/function; Has not been previously published as pathogenic or benign to our knowledge

Labcorp Genetics (formerly Invitae), Labcorp
Classification: Uncertain significance for Glycogen storage disease type III. Last evaluated: 2024-07-22. Review status: criteria provided, single submitter. Criteria: Invitae Variant Classification Sherloc (09022015). Collection method: clinical testing. Allele origin: germline.
Comment: This sequence change replaces cysteine, which is neutral and slightly polar, with arginine, which is basic and polar, at codon 608 of the AGL protein (p.Cys608Arg). This variant is not present in population databases (gnomAD no frequency). This variant has not been reported in the literature in individuals affected with AGL-related conditions. ClinVar contains an entry for this variant (Variation ID: 2076543). Advanced modeling of protein sequence and biophysical properties (such as structural, functional, and spatial information, amino acid conservation, physicochemical variation, residue mobility, and thermodynamic stability) performed at Invitae indicates that this missense variant is not expected to disrupt AGL protein function with a negative predictive value of 80%. In summary, the available evidence is currently insufficient to determine the role of this variant in disease. Therefore, it has been classified as a Variant of Uncertain Significance.